The following is an entry in ClinVar:

NM_018685.5(ANLN):c.2817C>T (p.Phe939=)

Gene: ANLN (anillin, actin binding protein; plus strand). Cytogenetic location: 7p14.2.
Variant type: single nucleotide variant.
Coding change: c.2817C>T on transcript NM_018685.5 (MANE Select); coding-DNA position 2817, C replaced by T.
Protein change: p.Phe939=; no amino-acid change (phenylalanine 939 retained).
Molecular consequence: synonymous variant.
Genome position (GRCh38, 1-based): chr7:36,426,962, C>T. VCF-style: chr7-36426962-C-T. GRCh37 (hg19) VCF-style: chr7-36466571-C-T.
Other names: c.2706C>T, p.Phe902= (NM_001284301.3); c.2703C>T, p.Phe901= (NM_001284302.3).
Identifiers: ClinVar variation 720307 (VCV000720307.35), dbSNP rs148635845, ClinGen allele CA4220005.

ClinVar aggregate classification (germline): Benign/Likely benign. Review status: criteria provided, multiple submitters, no conflicts (2 of 4 stars). 4 submissions from 4 submitters: Benign (2); Likely benign (1). 1 of the submissions does not count toward it. Last evaluated 2026-01-30.

Conditions:
ANLN-related disorder. Also called: ANLN-related condition.

Allele frequency attached by ClinVar (database versions not stated): gnomAD 0.00188; 1000 Genomes Project 30x 0.00203; 1000 Genomes Project 0.00220; gnomAD exomes 0.00246; ExAC 0.00255; TOPMed 0.00330; ESP Exome Variant Server 0.00384.

Submissions (4):

Labcorp Genetics (formerly Invitae), Labcorp
Classification: Benign. Last evaluated: 2026-01-30. Review status: criteria provided, single submitter. Criteria: Invitae Variant Classification Sherloc (09022015). Collection method: clinical testing. Allele origin: germline.

Blueprint Genetics
Classification: Benign. Last evaluated: 2024-11-27. Review status: criteria provided, single submitter. Criteria: ACMG Guidelines, 2015. Collection method: clinical testing. Allele origin: germline.

CeGaT Center for Human Genetics Tuebingen
Classification: Likely benign. Last evaluated: 2024-01-01. Review status: criteria provided, single submitter. Criteria: CeGaT Center For Human Genetics Tuebingen Variant Classification Criteria Version 2. Collection method: clinical testing. Allele origin: germline. Affected: yes. Observed: 1 variant allele.
Comment: ANLN: BP4, BP7

PreventionGenetics, part of Exact Sciences
Classification: Likely benign for ANLN-related condition. Last evaluated: 2020-01-10. Review status: no assertion criteria provided. Collection method: clinical testing. Allele origin: germline. Not counted in ClinVar's aggregate classification.
Comment: This variant is classified as likely benign based on ACMG/AMP sequence variant interpretation guidelines (Richards et al. 2015 PMID: 25741868, with internal and published modifications).